The following is an entry in ClinVar:

NM_024721.5(ZFHX4):c.10405_10408delinsGC (p.Ser3469fs)

Gene: ZFHX4 (zinc finger homeobox 4; plus strand). Cytogenetic location: 8q21.13.
Variant type: Indel.
Coding change: c.10405_10408delinsGC on transcript NM_024721.5 (MANE Select); coding-DNA positions 10405 to 10408, AGCT replaced by GC.
Protein change: p.Ser3469fs; shifts the reading frame from serine 3469.
Molecular consequence: frameshift variant.
Genome position (GRCh38, 1-based): chr8:76,864,119-76,864,122, AGCT replaced by GC. VCF-style: chr8-76864119-AGCT-GC. GRCh37 (hg19) VCF-style: chr8-77776355-AGCT-GC.
Other names: c.10327_10330delinsGC, p.Ser3443fs (NM_001410934.1); short protein forms S3443fs, S3469fs.
Identifiers: ClinVar variation 4755666 (VCV004755666.1).

ClinVar aggregate classification (germline): Uncertain significance (1 of 4 stars; one submission).

Submission:

GeneDx
Classification: Uncertain significance. Last evaluated: 2025-08-08. Review status: criteria provided, single submitter. Criteria: GeneDx Variant Classification Process June 2021. Collection method: clinical testing. Allele origin: germline. Affected: yes.
Comment: Frameshift variant predicted to result in abnormal protein length as the last 148 amino acid(s) are replaced with 18 different amino acid(s); Not observed at significant frequency in large population cohorts (gnomAD); Has not been previously published as pathogenic or benign to our knowledge